The following is an entry in ClinVar:

NM_001122659.3(EDNRB):c.178G>A (p.Ala60Thr)

Gene: EDNRB (endothelin receptor type B; minus strand). Cytogenetic location: 13q22.3.
Variant type: single nucleotide variant.
Coding change: c.178G>A on transcript NM_001122659.3 (MANE Select); coding-DNA position 178, G replaced by A.
Protein change: p.Ala60Thr; replaces alanine 60 with threonine.
Molecular consequence: missense variant.
Genome position (GRCh38, 1-based): chr13:77,918,396, C>T on the plus strand (G>A on the coding strand, the complement: EDNRB is on the minus strand). VCF-style: chr13-77918396-C-T. GRCh37 (hg19) VCF-style: chr13-78492531-C-T.
Other names: c.178G>A, p.Ala60Thr (NM_000115.5, NM_003991.4); c.448G>A, p.Ala150Thr (NM_001201397.2); short protein forms A150T, A60T.
Identifiers: ClinVar variation 1439603 (VCV001439603.6), dbSNP rs142569954, ClinGen allele CA7012386.

ClinVar aggregate classification (germline): Uncertain significance (1 of 4 stars; one submission).

Allele frequency attached by ClinVar (database versions not stated): TOPMed 0.00005; gnomAD 0.00006; ESP Exome Variant Server 0.00015.
gnomAD v4.1: 41 of 1,600,666 alleles (0.0026%); highest among the groups gnomAD compares: African/African-American, 0.021%; no homozygotes.

Submission:

Labcorp Genetics (formerly Invitae), Labcorp
Classification: Uncertain significance. Last evaluated: 2024-12-09. Review status: criteria provided, single submitter. Criteria: Invitae Variant Classification Sherloc (09022015). Collection method: clinical testing. Allele origin: germline.
Comment: This sequence change replaces alanine, which is neutral and non-polar, with threonine, which is neutral and polar, at codon 60 of the EDNRB protein (p.Ala60Thr). This variant is present in population databases (rs142569954, gnomAD 0.02%). This variant has not been reported in the literature in individuals affected with EDNRB-related conditions. ClinVar contains an entry for this variant (Variation ID: 1439603). An algorithm developed to predict the effect of missense changes on protein structure and function outputs the following: PolyPhen-2: "Benign". The threonine amino acid residue is found in multiple mammalian species, which suggests that this missense change does not adversely affect protein function. In summary, the available evidence is currently insufficient to determine the role of this variant in disease. Therefore, it has been classified as a Variant of Uncertain Significance.